The following is an entry in ClinVar:

ClinVar aggregate classification (germline): Pathogenic. Review status: criteria provided, single submitter (1 of 4 stars). 2 submissions from 2 submitters: Pathogenic (1). 1 of the submissions does not count toward it. Last evaluated 2020-04-05.

Conditions:
Duchenne muscular dystrophy (DMD). Also called: MUSCULAR DYSTROPHY, PSEUDOHYPERTROPHIC PROGRESSIVE, DUCHENNE TYPE; Duchenne Muscular Dystrophy (DMD). Identifiers: Orphanet 98896, MedGen C0013264, MONDO:0010679, OMIM 310200.

Submissions (2):

Labcorp Genetics (formerly Invitae), Labcorp
Classification: Pathogenic for Duchenne muscular dystrophy. Last evaluated: 2020-04-05. Review status: criteria provided, single submitter. Criteria: Invitae Variant Classification Sherloc (09022015). Collection method: clinical testing. Allele origin: germline.
Comment: For these reasons, this variant has been classified as Pathogenic. Loss-of-function variants in DMD are known to be pathogenic (PMID: 16770791, 25007885). This variant has been observed in individual(s) with dystrophinopathy (PMID: 7951253, 21273767, 21972111). ClinVar contains an entry for this variant (Variation ID: 11256). This variant is not present in population databases (ExAC no frequency). This sequence change creates a premature translational stop signal (p.Gln1405*) in the DMD gene. It is expected to result in an absent or disrupted protein product.

OMIM
Classification: Pathogenic for DUCHENNE MUSCULAR DYSTROPHY. Last evaluated: 1994-01-01. Review status: no assertion criteria provided. Collection method: literature only. Allele origin: germline. Not counted in ClinVar's aggregate classification.

Literature cited by the submitters: PubMed 16770791 (cited by Labcorp Genetics (formerly Invitae), Labcorp); PubMed 25007885 (cited by Labcorp Genetics (formerly Invitae), Labcorp); PubMed 7951253 (cited by Labcorp Genetics (formerly Invitae), Labcorp and OMIM); PubMed 21273767 (cited by Labcorp Genetics (formerly Invitae), Labcorp); PubMed 21972111 (cited by Labcorp Genetics (formerly Invitae), Labcorp).

NM_004006.3(DMD):c.4213C>T (p.Gln1405Ter)

Gene: DMD (dystrophin; minus strand). Cytogenetic location: Xp21.1.
Variant type: single nucleotide variant.
Coding change: c.4213C>T on transcript NM_004006.3 (MANE Select); coding-DNA position 4213, C replaced by T.
Protein change: p.Gln1405Ter; replaces glutamine 1405 with a stop codon.
Molecular consequence: nonsense.
Genome position (GRCh38, 1-based): chrX:32,411,772, G>A on the plus strand (C>T on the coding strand, the complement: DMD is on the minus strand). VCF-style: chrX-32411772-G-A. GRCh37 (hg19) VCF-style: chrX-32429889-G-A.
Other names: c.4189C>T, p.Gln1397Ter (NM_000109.4); c.4201C>T, p.Gln1401Ter (NM_004009.3); c.3844C>T, p.Gln1282Ter (NM_004010.3); c.190C>T, p.Gln64Ter (NM_004011.4); c.181C>T, p.Gln61Ter (NM_004012.4); short protein forms Q1405*, Q1401*, Q64*, Q1397*, Q1282*, Q61*.
Identifiers: ClinVar variation 11256 (VCV000011256.12), dbSNP rs128626247, ClinGen allele CA341064.
Genomic context (GRCh38, chrX:32,411,772, plus strand): 5'-AAAAACAAAAGAATGGAAGCTGATTCCCAGATGTACTTGCCTGGGCTTCCTGAGGCATTT[G>A]AGCTGCGTCCACCTTGTCTGCAATATAAGCTGCCAACTGCTTGTCAATGAATGTGAGGGA-3'